The following is an entry in ClinVar:

NM_002778.4(PSAP):c.1061C>T (p.Ser354Leu)

Gene: PSAP (prosaposin; minus strand). Cytogenetic location: 10q22.1.
Variant type: single nucleotide variant.
Coding change: c.1061C>T on transcript NM_002778.4 (MANE Select); coding-DNA position 1061, C replaced by T.
Protein change: p.Ser354Leu; replaces serine 354 with leucine.
Molecular consequence: missense variant.
Genome position (GRCh38, 1-based): chr10:71,819,845, G>A on the plus strand (C>T on the coding strand, the complement: PSAP is on the minus strand). VCF-style: chr10-71819845-G-A. GRCh37 (hg19) VCF-style: chr10-73579602-G-A.
Other names: c.1070C>T, p.Ser357Leu (NM_001042465.3); c.1067C>T, p.Ser356Leu (NM_001042466.3); short protein forms S354L, S356L, S357L.
Identifiers: ClinVar variation 4807365 (VCV004807365.1).

ClinVar aggregate classification (germline): Uncertain significance (1 of 4 stars; one submission).

Conditions:
Sphingolipid activator protein 1 deficiency. Also called: METACHROMATIC LEUKODYSTROPHY DUE TO CEREBROSIDE SULFATASE ACTIVATOR DEFICIENCY; Metachromatic leukodystrophy due to saposin B deficiency; Saposin B Deficiency. Identifiers: Orphanet 512, MedGen C0268262, MONDO:0009590, OMIM 249900.

gnomAD v4.1: 69 of 1,614,068 alleles (0.0043%); highest among the groups gnomAD compares: Non-Finnish European, 0.0051%; no homozygotes.

Submission:

Labcorp Genetics (formerly Invitae), Labcorp
Classification: Uncertain significance for Sphingolipid activator protein 1 deficiency. Last evaluated: 2025-09-21. Review status: criteria provided, single submitter. Criteria: Invitae Variant Classification Sherloc (09022015). Collection method: clinical testing. Allele origin: germline.
Comment: This sequence change replaces serine, which is neutral and polar, with leucine, which is neutral and non-polar, at codon 354 of the PSAP protein (p.Ser354Leu). This variant is present in population databases (rs751594118, gnomAD 0.01%). This variant has not been reported in the literature in individuals affected with PSAP-related conditions. Invitae Evidence Modeling of protein sequence and biophysical properties (such as structural, functional, and spatial information, amino acid conservation, physicochemical variation, residue mobility, and thermodynamic stability) indicates that this missense variant is not expected to disrupt PSAP protein function with a negative predictive value of 95%. In summary, the available evidence is currently insufficient to determine the role of this variant in disease. Therefore, it has been classified as a Variant of Uncertain Significance.